The following is an entry in ClinVar:

NM_000535.7(PMS2):c.149G>A (p.Gly50Asp)

Gene: PMS2 (PMS1 homolog 2, mismatch repair system component; minus strand). Cytogenetic location: 7p22.1.
Variant type: single nucleotide variant.
Coding change: c.149G>A on transcript NM_000535.7 (MANE Select); coding-DNA position 149, G replaced by A.
Protein change: p.Gly50Asp; replaces glycine 50 with aspartic acid.
Molecular consequence: missense variant. On other transcripts: 5 prime UTR variant (8), non-coding transcript variant (1), intron variant (3).
Genome position (GRCh38, 1-based): chr7:6,005,906, C>T on the plus strand (G>A on the coding strand, the complement: PMS2 is on the minus strand). VCF-style: chr7-6005906-C-T. GRCh37 (hg19) VCF-style: chr7-6045537-C-T.
Other names: p.G50D:GGT>GAT; c.-257G>A (NM_001322013.2, NM_001322003.2, NM_001322005.2 and 1 more transcripts); c.149G>A, p.Gly50Asp (NM_001322014.2, NM_001322006.2); c.-336G>A (NM_001322015.2); c.-52-1848G>A (NM_001322008.2); c.-242-1848G>A (NM_001322010.2, NM_001322004.2); c.-67G>A (NM_001322007.2); c.-736G>A (NM_001322011.2, NM_001322012.2); short protein forms G50D.
Identifiers: ClinVar variation 182805 (VCV000182805.24), dbSNP rs539285592, ClinGen allele CA009773.

ClinVar aggregate classification (germline): Uncertain significance. Review status: criteria provided, multiple submitters, no conflicts (2 of 4 stars). 9 submissions from 9 submitters: Uncertain significance (9). Last evaluated 2026-01-27.

Conditions:
PMS2-related disorder. Also called: PMS2-related condition.
Hereditary nonpolyposis colorectal neoplasms. Identifiers: MedGen C0009405, MeSH D003123.
Hereditary cancer-predisposing syndrome. Also called: Neoplastic Syndromes, Hereditary; Tumor predisposition; Hereditary neoplastic syndrome; Hereditary Cancer Syndrome. Identifiers: Orphanet 140162, MedGen C0027672, MeSH D009386, MONDO:0015356.
Lynch syndrome. Identifiers: Orphanet 144, MedGen C4552100, MONDO:0005835. Disease mechanism: loss of function.
Lynch syndrome 4 (LYNCH4). Also called: Colorectal cancer, hereditary nonpolyposis, type 4; Hereditary non-polyposis colorectal cancer, type 4. Identifiers: Orphanet 144, MedGen C1838333, MONDO:0013699, OMIM 614337. Disease mechanism: loss of function.

Allele frequency attached by ClinVar (database versions not stated): gnomAD exomes 0.00001; ExAC 0.00002; gnomAD 0.00002 and 0.00003; TOPMed 0.00003; 1000 Genomes Project 30x 0.00016; 1000 Genomes Project 0.00020.

Submissions (9):

Labcorp Genetics (formerly Invitae), Labcorp
Classification: Uncertain significance for Hereditary nonpolyposis colorectal neoplasms. Last evaluated: 2026-01-27. Review status: criteria provided, single submitter. Criteria: Invitae Variant Classification Sherloc (09022015). Collection method: clinical testing. Allele origin: germline.
Comment: This sequence change replaces glycine, which is neutral and non-polar, with aspartic acid, which is acidic and polar, at codon 50 of the PMS2 protein (p.Gly50Asp). This variant is present in population databases (rs539285592, gnomAD 0.003%). This missense change has been observed in individual(s) with colon cancer (PMID: 27978560). ClinVar contains an entry for this variant (Variation ID: 182805). Invitae Evidence Modeling incorporating data from in vitro experimental studies (internal data) indicates that this missense variant is not expected to disrupt PMS2 function with a negative predictive value of 95%. In summary, the available evidence is currently insufficient to determine the role of this variant in disease. Therefore, it has been classified as a Variant of Uncertain Significance.

Color Diagnostics, LLC DBA Color Health
Classification: Uncertain significance for Hereditary cancer-predisposing syndrome. Last evaluated: 2025-11-19. Review status: criteria provided, single submitter. Criteria: ACMG Guidelines, 2015. Collection method: clinical testing. Allele origin: germline.
Comment: This missense variant replaces glycine with aspartic acid at codon 50 of the PMS2 protein. Computational prediction suggests that this variant may have deleterious impact on protein structure and function. To our knowledge, functional studies have not been reported for this variant. This variant has been reported in an individual affected with early-onset colorectal cancer whose tumor was mismatch repair proficient (PMID: 27978560). This variant has been identified in 6/1610834 chromosomes in the general population by the Genome Aggregation Database (gnomAD). The available evidence is insufficient to determine the role of this variant in disease conclusively. Therefore, this variant is classified as a Variant of Uncertain Significance.

PreventionGenetics, part of Exact Sciences
Classification: Uncertain significance for PMS2-related condition. Last evaluated: 2025-07-31. Review status: criteria provided, single submitter. Criteria: ACMG Guidelines, 2015. Collection method: clinical testing. Allele origin: germline.
Comment: The PMS2 c.149G>A variant is predicted to result in the amino acid substitution p.Gly50Asp. This variant has been reported in an individual with early onset colorectal cancer (Patient ID 448650, E Table 2, Pearlman et al. 2017. PubMed ID: 27978560). This variant is reported in 2 of ~246,000 alleles in gnomAD and is interpreted as uncertain significance by the vast majority of submitters in ClinVar (Variation ID: 142541). At this time, the clinical significance of this variant is uncertain due to the absence of conclusive functional and genetic evidence.

Women's Health and Genetics/Laboratory Corporation of America, LabCorp
Classification: Uncertain significance. Last evaluated: 2025-06-17. Review status: criteria provided, single submitter. Criteria: LabCorp Variant Classification Summary - May 2015. Collection method: clinical testing. Allele origin: germline.
Comment: Variant summary: PMS2 c.149G>A (p.Gly50Asp) results in a non-conservative amino acid change in the encoded protein sequence. Algorithms developed to predict the effect of missense changes on protein structure and function all suggest that this variant is likely to be disruptive. The variant allele was found at a frequency of 8.1e-06 in 245762 control chromosomes. The available data on variant occurrences in the general population are insufficient to allow any conclusion about variant significance. c.149G>A has been observed in individual(s) affected with colon cancer (Pearlman_2017). These report(s) do not provide unequivocal conclusions about association of the variant with Hereditary Nonpolyposis Colorectal Cancer. The following publication has been ascertained in the context of this evaluation (PMID: 27978560). ClinVar contains an entry for this variant (Variation ID: 182805). Based on the evidence outlined above, the variant was classified as uncertain significance.

Hereditary Cancer Laboratory, Hospital Universitario 12 de Octubre
Classification: Uncertain significance for Hereditary cancer-predisposing syndrome. Last evaluated: 2025-05-06. Review status: criteria provided, single submitter. Criteria: ACMG Guidelines, 2015. Collection method: clinical testing. Allele origin: germline.
Comment: PM2+PP3

All of Us Research Program, National Institutes of Health
Classification: Uncertain significance for Lynch syndrome. Last evaluated: 2024-08-13. Review status: criteria provided, single submitter. Criteria: ACMG Guidelines, 2015. Collection method: clinical testing. Allele origin: germline. Inheritance: Autosomal dominant inheritance. Observed: 2 variant alleles, 2 heterozygotes.
Comment: This missense variant replaces glycine with aspartic acid at codon 50 of the PMS2 protein. Computational prediction suggests that this variant may have deleterious impact on protein structure and function (internally defined REVEL score threshold >= 0.7, PMID: 27666373). To our knowledge, functional studies have not been reported for this variant. This variant has been reported in an individual affected with early-onset colorectal cancer whose tumor was mismatch repair proficient (PMID: 27978560). This variant has been identified in 2/245762 chromosomes in the general population by the Genome Aggregation Database (gnomAD). The available evidence is insufficient to determine the role of this variant in disease conclusively. Therefore, this variant is classified as a Variant of Uncertain Significance.

This study involves interpretation of variants in research participants for the purpose of population health screening. Participant phenotype was not available at the time of variant classification. Additional details can be found in publication PMID: 35346344, PMCID: PMC8962531

GeneDx
Classification: Uncertain significance. Last evaluated: 2024-04-01. Review status: criteria provided, single submitter. Criteria: GeneDx Variant Classification Process June 2021. Collection method: clinical testing. Allele origin: germline. Affected: yes.
Comment: Not observed at significant frequency in large population cohorts (gnomAD); In silico analysis supports that this missense variant has a deleterious effect on protein structure/function; Observed in an individual with rectal cancer; however, tumor studies were discordant (PMID: 27978560); This variant is associated with the following publications: (PMID: 11574484, 27978560)

Baylor Genetics
Classification: Uncertain significance for Lynch syndrome 4. Last evaluated: 2024-03-19. Review status: criteria provided, single submitter. Criteria: ACMG Guidelines, 2015. Collection method: clinical testing. Allele origin: unknown.

Ambry Genetics
Classification: Uncertain significance for Hereditary cancer-predisposing syndrome. Last evaluated: 2024-01-31. Review status: criteria provided, single submitter. Criteria: Ambry Variant Classification Scheme 2023. Collection method: clinical testing. Allele origin: germline.
Comment: The p.G50D variant (also known as c.149G>A), located in coding exon 2 of the PMS2 gene, results from a G to A substitution at nucleotide position 149. The glycine at codon 50 is replaced by aspartic acid, an amino acid with similar properties. This alteration has been reported in 1/450 individuals diagnosed with colorectal cancer under age 50 and undergoing panel testing for 25 cancer susceptibility genes (Pearlman R et al. JAMA Oncol, 2017 Apr;3:464-471). This amino acid position is highly conserved in available vertebrate species. In addition, this alteration is predicted to be deleterious by in silico analysis. Since supporting evidence is limited at this time, the clinical significance of this alteration remains unclear.

Literature cited by the submitters: PubMed 27978560 (cited by 5 submitters).